The following is an entry in ClinVar:

ClinVar aggregate classification (germline): Uncertain significance (1 of 4 stars; one submission).

Conditions:
Hereditary cancer-predisposing syndrome. Also called: Tumor predisposition; Hereditary Cancer Syndrome; Hereditary neoplastic syndrome; Neoplastic Syndromes, Hereditary. Identifiers: Orphanet 140162, MedGen C0027672, MeSH D009386, MONDO:0015356.

Submissions (2):

Ambry Genetics
Classification: Uncertain significance for Hereditary cancer-predisposing syndrome. Last evaluated: 2019-07-24. Review status: criteria provided, single submitter. Criteria: Ambry Variant Classification Scheme 2023. Collection method: clinical testing. Allele origin: germline.
Comment: The p.P34T variant (also known as c.100C>A), located in coding exon 2 of the BRCA1 gene, results from a C to A substitution at nucleotide position 100. The proline at codon 34 is replaced by threonine, an amino acid with highly similar properties. This amino acid position is highly conserved in available vertebrate species. In addition, this alteration is predicted to be deleterious by in silico analysis. Since supporting evidence is limited at this time, the clinical significance of this alteration remains unclear.

Brotman Baty Institute, University of Washington
No classification provided (evidence only). Condition: Breast-ovarian cancer, familial 1. Review status: no classification provided. Collection method: in vitro. Allele origin: not applicable. Functional consequence: function_uncertain_variant. Not counted in ClinVar's aggregate classification.
ClinVar note: "not provided" was previously submitted as the classification for the variant. However, the classification appeared to be based only on an observation of functional data so it was converted to no classification on 2025-07-30.

NM_007294.4(BRCA1):c.100C>A (p.Pro34Thr)

Gene: BRCA1 (BRCA1 DNA repair associated; minus strand). Cytogenetic location: 17q21.31.
Variant type: single nucleotide variant.
Coding change: c.100C>A on transcript NM_007294.4 (MANE Select); coding-DNA position 100, C replaced by A.
Protein change: p.Pro34Thr; replaces proline 34 with threonine.
Molecular consequence: missense variant. On other transcripts: non-coding transcript variant (1), intron variant (1).
Genome position (GRCh38, 1-based): chr17:43,115,760, G>T on the plus strand (C>A on the coding strand, the complement: BRCA1 is on the minus strand). VCF-style: chr17-43115760-G-T. GRCh37 (hg19) VCF-style: chr17-41267777-G-T.
Other names: c.-89C>A (NM_001407571.1, NM_001407853.1, NM_001407879.1 and 52 more transcripts); c.100C>A, p.Pro34Thr (NM_001407581.1, NM_001407582.1, NM_001407583.1 and 192 more transcripts); c.-158C>A (NM_001407694.1, NM_001407696.1, NM_001407724.1 and 13 more transcripts); c.-162C>A (NM_001407695.1, NM_001408465.1); c.-42C>A (NM_001407697.1, NM_001407725.1, NM_001407728.1 and 47 more transcripts); c.-38C>A (NM_001407841.1); c.-205C>A (NM_001407889.1, NM_001407900.1, NM_001408492.1); c.-204C>A (NM_001407960.1, NM_001407962.1, NM_001408510.1 and 1 more transcripts); and 2 more; short protein forms P34T.
Identifiers: ClinVar variation 865117 (VCV000865117.5), dbSNP rs1064793357, ClinGen allele CA10601953.
Genomic context (GRCh38, chr17:43,115,760, plus strand): 5'-GAGCCACATAACACATTCAAACTTACTTGCAAAATATGTGGTCACACTTTGTGGAGACAG[G>T]TTCCTTGATCAACTCCAGACTAGCAGGGTAGGGGGGGAGAAAAAGAAAATAAATGAGGCT-3'
Protein context (NP_009225.1, residues 24-44): CPICLELIKE[Pro34Thr]VSTKCDHIFC